The following is an entry in ClinVar:

ClinVar aggregate classification (germline): Uncertain significance (1 of 4 stars; one submission).

gnomAD v4.1: 9 of 1,605,914 alleles (0.00056%); highest among the groups gnomAD compares: East Asian, 0.0022%; no homozygotes.

Submission:

CeGaT Center for Human Genetics Tuebingen
Classification: Uncertain significance. Last evaluated: 2026-05-01. Review status: criteria provided, single submitter. Criteria: CeGaT Center For Human Genetics Tuebingen Variant Classification Criteria Version 2. Collection method: clinical testing. Allele origin: germline. Affected: yes. Observed: 1 variant allele.
Comment: TLK2: PM2

NM_006852.6(TLK2):c.740G>A (p.Arg247Gln)

Gene: TLK2 (tousled like kinase 2; plus strand). Cytogenetic location: 17q23.2.
Variant type: single nucleotide variant.
Coding change: c.740G>A on transcript NM_006852.6 (MANE Select); coding-DNA position 740, G replaced by A.
Protein change: p.Arg247Gln; replaces arginine 247 with glutamine.
Molecular consequence: missense variant.
Genome position (GRCh38, 1-based): chr17:62,560,035, G>A. VCF-style: chr17-62560035-G-A. GRCh37 (hg19) VCF-style: chr17-60637396-G-A.
Other names: c.740G>A, p.Arg247Gln (NM_001284333.3, NM_001375270.1, NM_001375271.1); c.644G>A, p.Arg215Gln (NM_001284363.1, NM_001375272.1, NM_001438203.1 and 1 more transcripts); c.293G>A, p.Arg98Gln (NM_001330418.3, NM_001375273.1); c.782G>A, p.Arg261Gln (NM_001375269.1); c.455G>A, p.Arg152Gln (NM_001411074.1); c.551G>A, p.Arg184Gln (NM_001438205.1); short protein forms R152Q, R184Q, R215Q, R247Q, R261Q, R98Q.
Identifiers: ClinVar variation 4875068 (VCV004875068.2).